The following is an entry in ClinVar:

ClinVar aggregate classification (germline): Pathogenic (1 of 4 stars; one submission).

Allele frequency attached by ClinVar (database versions not stated): TOPMed 0.00001.

Submission:

CeGaT Center for Human Genetics Tuebingen
Classification: Pathogenic. Last evaluated: 2023-09-01. Review status: criteria provided, single submitter. Criteria: CeGaT Center For Human Genetics Tuebingen Variant Classification Criteria Version 2. Collection method: clinical testing. Allele origin: germline. Affected: yes. Observed: 1 variant allele.
Comment: F8: PS2, PM2, PM5, PP3, PS4:Supporting

NM_000132.4(F8):c.2006C>T (p.Ser669Phe)

Gene: F8 (coagulation factor VIII; minus strand). Cytogenetic location: Xq28.
Variant type: single nucleotide variant.
Coding change: c.2006C>T on transcript NM_000132.4 (MANE Select); coding-DNA position 2006, C replaced by T.
Protein change: p.Ser669Phe; replaces serine 669 with phenylalanine.
Molecular consequence: missense variant.
Genome position (GRCh38, 1-based): chrX:154,947,805, G>A on the plus strand (C>T on the coding strand, the complement: F8 is on the minus strand). VCF-style: chrX-154947805-G-A. GRCh37 (hg19) VCF-style: chrX-154176080-G-A.
Other names: short protein forms S669F.
Identifiers: ClinVar variation 2661871 (VCV002661871.24), dbSNP rs2073314495, ClinGen allele CA414909404.